The following is an entry in ClinVar:

ClinVar aggregate classification (germline): Uncertain significance (1 of 4 stars; one submission).

gnomAD v4.1: 1 of 1,614,124 alleles (0.000062%); highest among the groups gnomAD compares: Non-Finnish European, 0.000085%; no homozygotes.

Submission:

GeneDx
Classification: Uncertain significance. Last evaluated: 2024-12-05. Review status: criteria provided, single submitter. Criteria: GeneDx Variant Classification Process June 2021. Collection method: clinical testing. Allele origin: germline. Affected: yes.
Comment: Not observed at significant frequency in large population cohorts (gnomAD); In silico analysis supports that this missense variant has a deleterious effect on protein structure/function; Has not been previously published as pathogenic or benign to our knowledge

NM_006885.4(ZFHX3):c.9717A>C (p.Lys3239Asn)

Genes: ZFHX3 (zinc finger homeobox 3; minus strand), ZFHX3-AS1 (ZFHX3 antisense RNA 1; plus strand). Cytogenetic location: 16q22.2.
Variant type: single nucleotide variant.
Coding change: c.9717A>C on transcript NM_006885.4 (MANE Select); coding-DNA position 9717, A replaced by C.
Protein change: p.Lys3239Asn; replaces lysine 3239 with asparagine.
Molecular consequence: missense variant.
Genome position (GRCh38, 1-based): chr16:72,788,559, T>G on the plus strand (A>C on the coding strand, the complement: ZFHX3 is on the minus strand). VCF-style: chr16-72788559-T-G. GRCh37 (hg19) VCF-style: chr16-72822458-T-G.
Other names: c.6975A>C, p.Lys2325Asn (NM_001164766.2); c.9717A>C, p.Lys3239Asn (NM_001386735.1); short protein forms K2325N, K3239N.
Identifiers: ClinVar variation 3901382 (VCV003901382.1).